The following is an entry in ClinVar:

NC_000010.10:g.(?_30602538)_(31816192_?)dup

Genes: LYZL2 (lysozyme like 2; minus strand), MAP3K8 (mitogen-activated protein kinase kinase kinase 8; plus strand), MTPAP (mitochondrial poly(A) polymerase; minus strand), ZEB1 (zinc finger E-box binding homeobox 1; plus strand), ZNF438 (zinc finger protein 438; minus strand). Cytogenetic location: 10p11.23-11.22.
Variant type: Duplication.
Identifiers: ClinVar variation 2426436 (VCV002426436.3).

ClinVar aggregate classification (germline): Uncertain significance (1 of 4 stars; one submission).

Submission:

Labcorp Genetics (formerly Invitae), Labcorp
Classification: Uncertain significance. Last evaluated: 2022-08-06. Review status: criteria provided, single submitter. Criteria: Invitae Variant Classification Sherloc (09022015). Collection method: clinical testing. Allele origin: germline.
Comment: A copy number gain of the genomic region encompassing the full coding sequence of the MTPAP gene has been identified. The boundaries of this event are unknown as they extend beyond the assayed region for this gene and therefore may encompass additional genes. As the precise location of this event is unknown, it may be in tandem or it may be located elsewhere in the genome. This variant has not been reported in the literature in individuals affected with MTPAP-related conditions. In summary, the available evidence is currently insufficient to determine the role of this variant in disease. Therefore, it has been classified as a Variant of Uncertain Significance.